The following is an entry in ClinVar:

NM_052867.4(NALCN):c.1808A>T (p.Glu603Val)

Gene: NALCN (sodium leak channel, non-selective; minus strand). Cytogenetic location: 13q33.1.
Variant type: single nucleotide variant.
Coding change: c.1808A>T on transcript NM_052867.4 (MANE Select); coding-DNA position 1808, A replaced by T.
Protein change: p.Glu603Val; replaces glutamic acid 603 with valine.
Molecular consequence: missense variant.
Genome position (GRCh38, 1-based): chr13:101,176,331, T>A on the plus strand (A>T on the coding strand, the complement: NALCN is on the minus strand). VCF-style: chr13-101176331-T-A. GRCh37 (hg19) VCF-style: chr13-101828682-T-A.
Other names: c.1808A>T, p.Glu603Val (NM_001350748.2, NM_001350749.2); c.1721A>T, p.Glu574Val (NM_001350750.2, NM_001350751.2); short protein forms E574V, E603V.
Identifiers: ClinVar variation 3383094 (VCV003383094.2).
Genomic context (GRCh38, chr13:101,176,331, plus strand): 5'-TTAAAAAAAATCCCCCACACACTACTTACTTGTTTAAGCTTCTTTAGGTCTTCATCAAGT[T>A]CTAAGTTGTCCAAAATAACAGCAACAAACAAACTCAGGAGGATCTATAAAATGGTGAAAT-3'
Protein context (NP_443099.1, residues 593-613): LFVAVILDNL[Glu603Val]LDEDLKKLKQ

ClinVar aggregate classification (germline): Uncertain significance (1 of 4 stars; one submission).

Conditions:
Congenital contractures of the limbs and face, hypotonia, and developmental delay (CLIFAHDD). Identifiers: Orphanet 562528, MedGen C4225398, MONDO:0014556, OMIM 616266.

Submission:

Juno Genomics, Hangzhou Juno Genomics, Inc
Classification: Uncertain significance for Congenital contractures of the limbs and face, hypotonia, and developmental delay. Review status: criteria provided, single submitter. Criteria: ACMG Guidelines, 2015. Collection method: clinical testing. Allele origin: germline. Affected: yes.
Comment: Absent from controls (or at extremely low frequency if recessive) in Genome Aggregation Database, Exome Sequencing Project, 1000 Genomes Project, or Exome Aggregation Consortium.;Multiple lines of computational evidence support a deleterious effect on the gene or gene product (conservation, evolutionary, splicing impact, etc).;Patient's phenotype or family history is highly specific for a disease with a single genetic etiology.;Assumed de novo, but without confirmation of paternity and maternity.;Missense variant in a gene that has a low rate of benign missense variation and where missense variants are a common mechanism of disease.